The following is an entry in ClinVar:

ClinVar aggregate classification (germline): Uncertain significance (1 of 4 stars; one submission).

Conditions:
2-aminoadipic 2-oxoadipic aciduria (AAKAD). Also called: Aminoadipic aciduria; ALPHA-AMINOADIPIC AND ALPHA-KETOADIPIC ACIDURIA. Identifiers: Orphanet 79154, MedGen C1859817, MONDO:0008774, OMIM 204750.

Submission:

Labcorp Genetics (formerly Invitae), Labcorp
Classification: Uncertain significance for 2-aminoadipic 2-oxoadipic aciduria. Last evaluated: 2018-08-21. Review status: criteria provided, single submitter. Criteria: Invitae Variant Classification Sherloc (09022015). Collection method: clinical testing. Allele origin: germline.
Comment: This variant results in a copy number gain of the genomic region encompassing the full coding sequence of the DHTKD1 gene. The boundaries of this event are unknown as they extend beyond the assayed region for this gene and therefore may encompass additional genes. As the precise location of this event is unknown, it may be in tandem or it may be located elsewhere in the genome. This variant has not been reported in the literature in individuals with DHTKD1-related disease. In summary, the available evidence is currently insufficient to determine the role of this variant in disease. Therefore, it has been classified as a Variant of Uncertain Significance.

NC_000010.10:g.(?_12111013)_(12162907_?)dup

Genes: DHTKD1 (dehydrogenase E1 and transketolase domain containing 1; plus strand), LOC130003345 (ATAC-STARR-seq lymphoblastoid active region 3033; plus strand), LOC130003343 (ATAC-STARR-seq lymphoblastoid silent region 2137; plus strand), LOC130003344 (ATAC-STARR-seq lymphoblastoid active region 3032; plus strand), LOC130003342 (ATAC-STARR-seq lymphoblastoid silent region 2136; plus strand). Cytogenetic location: 10p14.
Variant type: Duplication.
Identifiers: ClinVar variation 647961 (VCV000647961.1).